The following is an entry in ClinVar:

ClinVar aggregate classification (germline): Uncertain significance (1 of 4 stars; one submission).

Conditions:
Multiple congenital anomalies-hypotonia-seizures syndrome 2 (MCAHS2). Also called: EPILEPTIC ENCEPHALOPATHY, EARLY INFANTILE, 20; GLYCOSYLPHOSPHATIDYLINOSITOL BIOSYNTHESIS DEFECT 4. Identifiers: Orphanet 300496, MedGen C3275508, MONDO:0010466, OMIM 300868.

Submission:

Labcorp Genetics (formerly Invitae), Labcorp
Classification: Uncertain significance for Multiple congenital anomalies-hypotonia-seizures syndrome 2. Last evaluated: 2020-02-21. Review status: criteria provided, single submitter. Criteria: Invitae Variant Classification Sherloc (09022015). Collection method: clinical testing. Allele origin: germline.
Comment: This variant results in a copy number gain of the genomic region encompassing exons 1-2 of the PIGA gene, which includes the initiator codon. The 5' end of this event is unknown as it extends beyond the assayed region for this gene and therefore may encompass additional genes. The 3' boundary is likely confined to intron 2 of the PIGA gene. As the precise location of this event is unknown, it may be in tandem or it may be located elsewhere in the genome. In summary, the available evidence is currently insufficient to determine the role of this variant in disease. Therefore, it has been classified as a Variant of Uncertain Significance. This variant has not been reported in the literature in individuals with PIGA-related conditions.

NC_000023.10:g.(?_15349318)_(15353655_?)dup

Gene: PIGA (phosphatidylinositol glycan anchor biosynthesis class A; minus strand). Cytogenetic location: Xp22.2.
Variant type: Duplication.
Identifiers: ClinVar variation 1019951 (VCV001019951.6).